The following is an entry in ClinVar:

ClinVar aggregate classification (germline): Uncertain significance. Review status: criteria provided, single submitter (1 of 4 stars). 2 submissions from 2 submitters: Uncertain significance (1). 1 of the submissions does not count toward it. Last evaluated 2018-12-15.

Conditions:
Cardiomyopathy (CMYO). Also called: Cardiomyopathies. Identifiers: Orphanet 167848, MedGen C0878544, MONDO:0004994, HP:0001638. Inheritance: Various modes of inheritance.
Duchenne muscular dystrophy (DMD). Also called: MUSCULAR DYSTROPHY, PSEUDOHYPERTROPHIC PROGRESSIVE, DUCHENNE TYPE; Duchenne Muscular Dystrophy (DMD). Identifiers: Orphanet 98896, MedGen C0013264, MONDO:0010679, OMIM 310200.
Becker muscular dystrophy (BMD). Also called: MUSCULAR DYSTROPHY, PSEUDOHYPERTROPHIC PROGRESSIVE, BECKER TYPE; Becker Muscular Dystrophy (BMD). Identifiers: Orphanet 98895, MedGen C0917713, MONDO:0010311, OMIM 300376.
Dystrophin deficiency.

Submissions (2):

Labcorp Genetics (formerly Invitae), Labcorp
Classification: Uncertain significance for Duchenne muscular dystrophy. Last evaluated: 2018-12-15. Review status: criteria provided, single submitter. Criteria: Invitae Variant Classification Sherloc (09022015). Collection method: clinical testing. Allele origin: germline.
Comment: Algorithms developed to predict the effect of missense changes on protein structure and function output the following: SIFT: "Tolerated"; PolyPhen-2: "Benign"; Align-GVGD: "Class C0". The arginine amino acid residue is found in multiple mammalian species, suggesting that this missense change does not adversely affect protein function. These predictions have not been confirmed by published functional studies and their clinical significance is uncertain. In summary, the available evidence is currently insufficient to determine the role of this variant in disease. Therefore, it has been classified as a Variant of Uncertain Significance. Algorithms developed to predict the effect of sequence changes on RNA splicing suggest that this variant may create or strengthen a splice site, but this prediction has not been confirmed by published transcriptional studies. This variant has been observed in an individual affected with Duchene muscular dystrophy (PMID: 29188604). This variant is not present in population databases (ExAC no frequency). This sequence change replaces histidine with arginine at codon 1430 of the DMD protein (p.His1430Arg). The histidine residue is moderately conserved and there is a small physicochemical difference between histidine and arginine.

Natera, Inc.
Classification: Uncertain significance for Becker muscular dystrophy; Cardiomyopathy; Duchenne muscular dystrophy; Dystrophin deficiency. Last evaluated: 2020-05-18. Review status: no assertion criteria provided. Collection method: clinical testing. Allele origin: germline. Not counted in ClinVar's aggregate classification.

Literature cited by the submitters: PubMed 29188604 (cited by Labcorp Genetics (formerly Invitae), Labcorp).

NM_004006.3(DMD):c.4289A>G (p.His1430Arg)

Gene: DMD (dystrophin; minus strand). Cytogenetic location: Xp21.1.
Variant type: single nucleotide variant.
Coding change: c.4289A>G on transcript NM_004006.3 (MANE Select); coding-DNA position 4289, A replaced by G.
Protein change: p.His1430Arg; replaces histidine 1430 with arginine.
Molecular consequence: missense variant.
Genome position (GRCh38, 1-based): chrX:32,390,126, T>C on the plus strand (A>G on the coding strand, the complement: DMD is on the minus strand). VCF-style: chrX-32390126-T-C. GRCh37 (hg19) VCF-style: chrX-32408243-T-C.
Other names: c.4265A>G, p.His1422Arg (NM_000109.4); c.4277A>G, p.His1426Arg (NM_004009.3); c.3920A>G, p.His1307Arg (NM_004010.3); c.266A>G, p.His89Arg (NM_004011.4); c.257A>G, p.His86Arg (NM_004012.4); short protein forms H1430R, H1307R, H1422R, H1426R, H86R, H89R.
Identifiers: ClinVar variation 657205 (VCV000657205.10), dbSNP rs1603632327, ClinGen allele CA412664060.